The following is an entry in ClinVar:

ClinVar aggregate classification (germline): Likely pathogenic (1 of 4 stars; one submission).

Conditions:
Osteogenesis imperfecta type I (OI1). Also called: OI, TYPE I; OSTEOGENESIS IMPERFECTA TARDA; OSTEOGENESIS IMPERFECTA WITH BLUE SCLERAE; Classic Non-deforming Osteogenesis Imperfecta with Blue Sclerae; Lobstein disease; Osteogenesis imperfecta type 1. Identifiers: Orphanet 216796, Orphanet 666, MedGen C0023931, MONDO:0008146, OMIM 166200. Disease mechanism: loss of function.
Osteogenesis imperfecta with normal sclerae, dominant form (OI4). Also called: OSTEOGENESIS IMPERFECTA WITH NORMAL SCLERAE; Osteogenesis imperfecta type 4; Common Variable Osteogenesis Imperfecta with Normal Sclerae; Osteogenesis Imperfecta Type IV; OSTEOGENESIS IMPERFECTA, TYPE IV, WITH DENTINOGENESIS IMPERFECTA. Identifiers: Orphanet 216820, Orphanet 666, MedGen C0268363, MONDO:0008148, OMIM 166220.
Osteogenesis imperfecta, perinatal lethal (OI2). Also called: OI, TYPE II; OSTEOGENESIS IMPERFECTA CONGENITA; VROLIK TYPE OF OSTEOGENESIS IMPERFECTA; Osteogenesis imperfecta type 2; Osteogenesis imperfecta, dominant perinatal lethal; OSTEOGENESIS IMPERFECTA, TYPE II. Identifiers: Orphanet 216804, MedGen C0268358, MONDO:0008147, OMIM 166210.
Osteogenesis imperfecta type III (OI3). Also called: Progressively Deforming Osteogenesis Imperfecta; Osteogenesis imperfecta type 3; OI type 3; Osteogenesis imperfecta, progressively deforming with normal sclerae; OI type III. Identifiers: Orphanet 216812, Orphanet 666, MedGen C0268362, MONDO:0009804, OMIM 259420.

Submission:

Genetics Department, Catlab
Classification: Likely pathogenic for Osteogenesis imperfecta type I; Osteogenesis imperfecta, perinatal lethal; Osteogenesis imperfecta type III; Osteogenesis imperfecta with normal sclerae, dominant form. Last evaluated: 2025-02-25. Review status: criteria provided, single submitter. Criteria: ACMG Guidelines, 2015. Collection method: clinical testing. Allele origin: germline. Affected: yes. Observed: 1 variant allele.
Comment: The c.1900C>T variant in the COL1A1 gene is a loss of function variant predicted to undergo nonsense mediated decay, and loss of function variants have been described as a causing mechanism for the gene (PVS1). The variant is not present in the gnomAD database (PM2). With all the available evidence, the variant is classified as likely pathogenic.

NM_000088.4(COL1A1):c.1900C>T (p.Gln634Ter)

Gene: COL1A1 (collagen type I alpha 1 chain; minus strand). Cytogenetic location: 17q21.33.
Variant type: single nucleotide variant.
Coding change: c.1900C>T on transcript NM_000088.4 (MANE Select); coding-DNA position 1900, C replaced by T.
Protein change: p.Gln634Ter; replaces glutamine 634 with a stop codon.
Molecular consequence: nonsense.
Genome position (GRCh38, 1-based): chr17:50,192,669, G>A on the plus strand (C>T on the coding strand, the complement: COL1A1 is on the minus strand). VCF-style: chr17-50192669-G-A. GRCh37 (hg19) VCF-style: chr17-48270030-G-A.
Other names: short protein forms Q634*.
Identifiers: ClinVar variation 3899868 (VCV003899868.1).